The following is an entry in ClinVar:

ClinVar aggregate classification (germline): Benign/Likely benign. Review status: criteria provided, multiple submitters, no conflicts (2 of 4 stars). 3 submissions from 3 submitters: Benign (1); Likely benign (2). Last evaluated 2026-08-01.

Allele frequency attached by ClinVar (database versions not stated): ESP Exome Variant Server 0.00031; TOPMed 0.00040; gnomAD 0.00041 and 0.00051; gnomAD exomes 0.00063 and 0.00119; ExAC 0.00128; 1000 Genomes Project 30x 0.00156; 1000 Genomes Project 0.00180.
gnomAD v4.1: 1,012 of 1,614,138 alleles (0.063%); highest among the groups gnomAD compares: South Asian, 0.45%; 10 homozygotes.

Submissions (3):

CeGaT Center for Human Genetics Tuebingen
Classification: Likely benign. Last evaluated: 2026-08-01. Review status: criteria provided, single submitter. Criteria: CeGaT Center For Human Genetics Tuebingen Variant Classification Criteria Version 2. Collection method: clinical testing. Allele origin: germline. Affected: yes. Observed: 13 variant alleles.
Comment: YWHAG: BP4, BP7

Labcorp Genetics (formerly Invitae), Labcorp
Classification: Benign. Last evaluated: 2026-02-02. Review status: criteria provided, single submitter. Criteria: Invitae Variant Classification Sherloc (09022015). Collection method: clinical testing. Allele origin: germline.

Breakthrough Genomics
Classification: Likely benign. Review status: criteria provided, single submitter. Criteria: ACMG Guidelines, 2015. Collection method: not provided. Allele origin: germline. Inheritance: Autosomal dominant inheritance. Affected: yes.

NM_012479.4(YWHAG):c.564C>T (p.Asn188=)

Gene: YWHAG (tyrosine 3-monooxygenase/tryptophan 5-monooxygenase activation protein gamma; minus strand). Cytogenetic location: 7q11.23.
Variant type: single nucleotide variant.
Coding change: c.564C>T on transcript NM_012479.4 (MANE Select); coding-DNA position 564, C replaced by T.
Protein change: p.Asn188=; no amino-acid change (asparagine 188 retained).
Molecular consequence: synonymous variant.
Genome position (GRCh38, 1-based): chr7:76,329,757, G>A on the plus strand (C>T on the coding strand, the complement: YWHAG is on the minus strand). VCF-style: chr7-76329757-G-A. GRCh37 (hg19) VCF-style: chr7-75959074-G-A.
Identifiers: ClinVar variation 766899 (VCV000766899.43), dbSNP rs79130202, ClinGen allele CA4306517.
Genomic context (GRCh38, chr7:76,329,757, plus strand): 5'-AAGCTCGGCGATGGCGTCGTCGAACGCGGTCTTGGCCAAGTGGCACGCTTGCTCTGGGGC[G>A]TTCTGGATCTCATAGTAGAAGACGGAGTAGTTAAGAGCCAGGCCTAATCGGATGGGGTGG-3'
Protein context (NP_036611.2, residues 178-198): NYSVFYYEIQ[Asn188=]APEQACHLAK